The following is an entry in ClinVar:

ClinVar aggregate classification (germline): Pathogenic. Review status: reviewed by expert panel (3 of 4 stars). 3 submissions from 3 submitters: Pathogenic (1). 2 of the submissions do not count toward it. Last evaluated 2026-10-23.

Conditions:
Alexander disease (ALXDRD). Also called: Alexander's disease. Identifiers: Orphanet 58, MedGen C0270726, MONDO:0008752, OMIM 203450.

Submissions (3):

ClinGen Leukodystrophy and Leukoencephalopathy Variant Curation Expert Panel, ClinGen
Classification: Pathogenic for Alexander disease. Last evaluated: 2026-10-23. Review status: reviewed by expert panel. Criteria: ClinGen Leuko ACMG Specifications GFAP V1.0. Collection method: curation. Allele origin: germline. Inheritance: Autosomal dominant inheritance.
Comment: The c.1111G>A variant in GFAP is a missense variant predicted to cause substitution of glutamic acid by lysine at amino acid 371 (p.Glu371Lys). This variant has been reported as a de novo occurrence with confirmed parental relationships in one proband with elevated GFAP in CSF meeting definite diagnostic criteria for Alexander Disease per ClinGen Leukodystrophy and Leukoencephalopathy Expert Panel Specifications to the ACMG/AMP Variant Interpretation Guidelines for GFAP Version 1.0.0 (PP4_strong, PS2_Strong; PMID: 41513585). This variant has also been reported in another proband meeting definite diagnostic criteria for Alexander Disease (PS4_supporting; ClinVar Accession: SCV002956346.4). This variant is absent from gnomAD v4.1.0 (PM2_Supporting). In summary, this variant meets the criteria to be classified as a pathogenic variant for Alexander disease based on the ACMG/AMP criteria applied, as specified by the ClinGen Leukodystrophy and Leukoencephalopathy Expert Panel Specifications to the ACMG/AMP Variant Interpretation Guidelines for GFAP Version 1.0.0): PP4_strong, PS2_strong, PS4_supporting, PM2_supporting.

Labcorp Genetics (formerly Invitae), Labcorp
Classification: Uncertain significance. Last evaluated: 2022-07-30. Review status: criteria provided, single submitter. Criteria: Invitae Variant Classification Sherloc (09022015). Collection method: clinical testing. Allele origin: germline. Not counted in ClinVar's aggregate classification.
Comment: This sequence change replaces glutamic acid, which is acidic and polar, with lysine, which is basic and polar, at codon 371 of the GFAP protein (p.Glu371Lys). This variant is not present in population databases (gnomAD no frequency). This missense change has been observed in individual(s) with Alexander disease (Invitae). ClinVar contains an entry for this variant (Variation ID: 1199219). Algorithms developed to predict the effect of missense changes on protein structure and function are either unavailable or do not agree on the potential impact of this missense change (SIFT: "Deleterious"; PolyPhen-2: "Probably Damaging"; Align-GVGD: "Class C0"). This variant disrupts the p.Glu371 amino acid residue in GFAP. Other variant(s) that disrupt this residue have been observed in individuals with GFAP-related conditions (PMID: 16168595, 26478912), which suggests that this may be a clinically significant amino acid residue. In summary, the available evidence is currently insufficient to determine the role of this variant in disease. Therefore, it has been classified as a Variant of Uncertain Significance.

Illumina Laboratory Services, Illumina
Classification: Pathogenic for Alexander disease. Last evaluated: 2020-12-11. Review status: criteria provided, single submitter. Criteria: ICSLVariantClassificationCriteria RUGD 01 April 2020. Collection method: clinical testing. Allele origin: unknown. Not counted in ClinVar's aggregate classification.
Comment: The GFAP c.1111G>A (p.Glu371Lys) variant is a missense variant located within the Coil 2B region of the alpha-helical rod domain of the protein. The p.Glu371Lys variant has not been reported in the literature in association with Alexander disease. However, three different variants at the same amino acid position have been reported in two studies in individuals affected with Alexander disease (Kawai et al. 2005; Prust et al. 2011). The p.Glu371Lys variant is not found in the Genome Aggregation Database in a region of good sequence coverage, so the variant is presumed to be rare. Based on the absence from population frequency databases, the location in a mutational hotspot of a functional domain and the identification in a de novo state, the p.Glu371Lys variant is classified as pathogenic for Alexander disease.

Literature cited by the submitters: PubMed 16168595 (cited by Labcorp Genetics (formerly Invitae), Labcorp and Illumina Laboratory Services, Illumina); PubMed 26478912 (cited by Labcorp Genetics (formerly Invitae), Labcorp); PubMed 21917775 (cited by Illumina Laboratory Services, Illumina).

NM_002055.5(GFAP):c.1111G>A (p.Glu371Lys)

Genes: GFAP (glial fibrillary acidic protein; minus strand), LOC130060994 (ATAC-STARR-seq lymphoblastoid active region 12266; plus strand). Cytogenetic location: 17q21.31.
Variant type: single nucleotide variant.
Coding change: c.1111G>A on transcript NM_002055.5 (MANE Select); coding-DNA position 1111, G replaced by A.
Protein change: p.Glu371Lys; replaces glutamic acid 371 with lysine.
Molecular consequence: missense variant.
Genome position (GRCh38, 1-based): chr17:44,911,252, C>T on the plus strand (G>A on the coding strand, the complement: GFAP is on the minus strand). VCF-style: chr17-44911252-C-T. GRCh37 (hg19) VCF-style: chr17-42988620-C-T.
Other names: NM_002055.5(GFAP):c.1111G>A; p.Glu371Lys; c.1111G>A, p.Glu371Lys (NM_001131019.3, NM_001242376.3, NM_001363846.2); short protein forms E371K.
Identifiers: ClinVar variation 1199219 (VCV001199219.10), dbSNP rs267607526, ClinGen allele CA399843382.
Genomic context (GRCh38, chr17:44,911,252, plus strand): 5'-GAGGCAGCAGGGAGACTTCCCCAGGGGCTGTGATGAGGGCTCACCGGTTCTCCTCGCCCT[C>T]TAGCAGCTTCCTGTAGGTGGCGATCTCGATGTCCAGGGCCAGCTTGACATTGAGCAGGTC-3'
Protein context (NP_002046.1, residues 361-381): IEIATYRKLL[Glu371Lys]GEENRITIPV